The following is an entry in ClinVar:

ClinVar aggregate classification (germline): Uncertain significance. Review status: criteria provided, multiple submitters, no conflicts (2 of 4 stars). 2 submissions from 2 submitters: Uncertain significance (2). Last evaluated 2025-10-26.

Allele frequency attached by ClinVar (database versions not stated): gnomAD exomes 0.00003; gnomAD 0.00007; ExAC 0.00008.
gnomAD v4.1: 87 of 1,573,430 alleles (0.0055%); highest among the groups gnomAD compares: Non-Finnish European, 0.0071%; no homozygotes.

Submissions (2):

Labcorp Genetics (formerly Invitae), Labcorp
Classification: Uncertain significance. Last evaluated: 2025-10-26. Review status: criteria provided, single submitter. Criteria: Invitae Variant Classification Sherloc (09022015). Collection method: clinical testing. Allele origin: germline.
Comment: This sequence change replaces aspartic acid, which is acidic and polar, with histidine, which is basic and polar, at codon 466 of the FSCN2 protein (p.Asp466His). This variant is present in population databases (rs779493223, gnomAD 0.007%). This variant has not been reported in the literature in individuals affected with FSCN2-related conditions. ClinVar contains an entry for this variant (Variation ID: 1495978). An algorithm developed to predict the effect of missense changes on protein structure and function (PolyPhen-2) suggests that this variant is likely to be disruptive. In summary, the available evidence is currently insufficient to determine the role of this variant in disease. Therefore, it has been classified as a Variant of Uncertain Significance.

Ambry Genetics
Classification: Uncertain significance. Last evaluated: 2021-06-11. Review status: criteria provided, single submitter. Criteria: Ambry Variant Classification Scheme 2023. Collection method: clinical testing. Allele origin: germline.

NM_012418.4(FSCN2):c.1324G>C (p.Asp442His)

Gene: FSCN2 (fascin actin-bundling protein 2, retinal; plus strand). Cytogenetic location: 17q25.3.
Variant type: single nucleotide variant.
Coding change: c.1324G>C on transcript NM_012418.4 (MANE Select); coding-DNA position 1324, G replaced by C.
Protein change: p.Asp442His; replaces aspartic acid 442 with histidine.
Molecular consequence: missense variant.
Genome position (GRCh38, 1-based): chr17:81,536,925, G>C. VCF-style: chr17-81536925-G-C. GRCh37 (hg19) VCF-style: chr17-79503951-G-C.
Other names: c.1396G>C (NM_001077182.2); c.1396G>C, p.Asp466His (NM_001077182.3); short protein forms D442H, D466H.
Identifiers: ClinVar variation 1495978 (VCV001495978.7), dbSNP rs779493223, ClinGen allele CA8837112.
Genomic context (GRCh38, chr17:81,536,925, plus strand): 5'-CGTCCCCCAGGCCGCGACGGAGGGTTCTGGTACACGGGCAGCCACGGCAGCGTGTGCAGC[G>C]ACGGCGAACGCGCCGAGGACTTCGTCTTCGAGTTCCGTGAGCGCGGCCGCCTGGCCATCC-3'
Protein context (NP_036550.1, residues 432-452): YTGSHGSVCS[Asp442His]GERAEDFVFE